The following is an entry in ClinVar:

ClinVar aggregate classification (germline): Uncertain significance (1 of 4 stars; one submission).

Conditions:
Primary dilated cardiomyopathy (DCM). Also called: Dilated Cardiomyopathy. Identifiers: Orphanet 217604, MedGen C0007193, MeSH D002311, MONDO:0005021, HP:0001644. Inheritance: Various modes of inheritance.

Allele frequency attached by ClinVar (database versions not stated): gnomAD exomes below 0.00001; gnomAD 0.00002; TOPMed 0.00002.
gnomAD v4.1: 9 of 1,613,956 alleles (0.00056%); highest among the groups gnomAD compares: African/African-American, 0.0013%; no homozygotes.

Submission:

Labcorp Genetics (formerly Invitae), Labcorp
Classification: Uncertain significance for Primary dilated cardiomyopathy. Last evaluated: 2025-01-22. Review status: criteria provided, single submitter. Criteria: Invitae Variant Classification Sherloc (09022015). Collection method: clinical testing. Allele origin: germline.
Comment: This sequence change replaces glutamic acid, which is acidic and polar, with glycine, which is neutral and non-polar, at codon 703 of the NEBL protein (p.Glu703Gly). This variant is present in population databases (no rsID available, gnomAD 0.007%). This variant has not been reported in the literature in individuals affected with NEBL-related conditions. ClinVar contains an entry for this variant (Variation ID: 962199). An algorithm developed to predict the effect of missense changes on protein structure and function (PolyPhen-2) suggests that this variant is likely to be tolerated. Algorithms developed to predict the effect of sequence changes on RNA splicing suggest that this variant may disrupt the consensus splice site. In summary, the available evidence is currently insufficient to determine the role of this variant in disease. Therefore, it has been classified as a Variant of Uncertain Significance.

NM_006393.3(NEBL):c.2108A>G (p.Glu703Gly)

Genes: NEBL (nebulette; minus strand), LOC126860875 (MED14-independent group 3 enhancer GRCh37_chr10:21105746-21106945; plus strand). Cytogenetic location: 10p12.31.
Variant type: single nucleotide variant.
Coding change: c.2108A>G on transcript NM_006393.3 (MANE Select); coding-DNA position 2108, A replaced by G.
Protein change: p.Glu703Gly; replaces glutamic acid 703 with glycine.
Molecular consequence: missense variant. On other transcripts: intron variant (9).
Genome position (GRCh38, 1-based): chr10:20,817,640, T>C on the plus strand (A>G on the coding strand, the complement: NEBL is on the minus strand). VCF-style: chr10-20817640-T-C. GRCh37 (hg19) VCF-style: chr10-21106569-T-C.
Other names: c.250-4700A>G (NM_001377326.1, NM_001377327.1, NM_001377328.1); c.358-4700A>G (NM_213569.2, NM_001173484.2, NM_001377322.1); c.301-4700A>G (NM_001377324.1); c.292-4700A>G (NM_001377325.1); c.310-4700A>G (NM_001377323.1); short protein forms E703G.
Identifiers: ClinVar variation 962199 (VCV000962199.10), dbSNP rs907637021, ClinGen allele CA204170504.